The following is an entry in ClinVar:

NM_001267550.2(TTN):c.47760+1G>A

Genes: TTN (titin; minus strand), TTN-AS1 (TTN antisense RNA 1; plus strand). Cytogenetic location: 2q31.2.
Variant type: single nucleotide variant.
Coding change: c.47760+1G>A on transcript NM_001267550.2 (MANE Select); the canonical splice donor site of the intron after coding-DNA position 47760, G replaced by A.
Molecular consequence: splice donor variant.
Genome position (GRCh38, 1-based): chr2:178,617,324, C>T on the plus strand (G>A on the coding strand, the complement: TTN is on the minus strand). VCF-style: chr2-178617324-C-T. GRCh37 (hg19) VCF-style: chr2-179482051-C-T.
Other names: c.20565+1G>A (NM_003319.4); c.21141+1G>A (NM_133437.4); c.20940+1G>A (NM_133432.3); c.40056+1G>A (NM_133378.4); c.42837+1G>A (NM_001256850.1).
Identifiers: ClinVar variation 1486888 (VCV001486888.8), dbSNP rs2154208642, ClinGen allele CA349613492.

ClinVar aggregate classification (germline): Likely pathogenic (1 of 4 stars; one submission).

Conditions:
Dilated cardiomyopathy 1G (CMD1G). Identifiers: Orphanet 154, MedGen C1858763, MONDO:0011400, OMIM 604145.
Autosomal recessive limb-girdle muscular dystrophy type 2J (LGMDR10). Also called: Limb-girdle muscular dystrophy, type 2J; MUSCULAR DYSTROPHY, LIMB-GIRDLE, AUTOSOMAL RECESSIVE 10. Identifiers: Orphanet 140922, MedGen C1837342, MONDO:0012127, OMIM 608807.

Submission:

Labcorp Genetics (formerly Invitae), Labcorp
Classification: Likely pathogenic for Dilated cardiomyopathy 1G; Autosomal recessive limb-girdle muscular dystrophy type 2J. Last evaluated: 2021-03-17. Review status: criteria provided, single submitter. Criteria: Invitae Variant Classification Sherloc (09022015). Collection method: clinical testing. Allele origin: germline.
Comment: This variant has not been reported in the literature in individuals with TTN-related conditions. This variant is not present in population databases (ExAC no frequency). This sequence change affects a donor splice site in intron 254 of the TTN gene. It is expected to disrupt RNA splicing and likely results in a truncated or disrupted TTN protein. Algorithms developed to predict the effect of sequence changes on RNA splicing suggest that this variant may disrupt the consensus splice site, but this prediction has not been confirmed by published transcriptional studies. This variant is located in the A band of TTN (PMID: 25589632). Truncating variants in this region are significantly overrepresented in patients affected with dilated cardiomyopathy (PMID: 25589632). Truncating variants in this region have also been reported in individuals affected with autosomal recessive centronuclear myopathy (PMID: 23975875). In summary, the currently available evidence indicates that the variant is pathogenic, but additional data are needed to prove that conclusively. Therefore, this variant has been classified as Likely Pathogenic.

Literature cited by the submitters: PubMed 25589632; PubMed 23975875.